The following is an entry in ClinVar:

ClinVar aggregate classification (germline): Uncertain significance (1 of 4 stars; one submission).

Conditions:
Hereditary cancer-predisposing syndrome. Also called: Neoplastic Syndromes, Hereditary; Tumor predisposition; Hereditary Cancer Syndrome; Hereditary neoplastic syndrome. Identifiers: Orphanet 140162, MedGen C0027672, MeSH D009386, MONDO:0015356.

Submission:

Ambry Genetics
Classification: Uncertain significance for Hereditary cancer-predisposing syndrome. Last evaluated: 2025-09-25. Review status: criteria provided, single submitter. Criteria: Ambry Variant Classification Scheme 2023. Collection method: clinical testing. Allele origin: germline.
Comment: The p.A1733S variant (also known as c.5197G>T), located in coding exon 34 of the ATM gene, results from a G to T substitution at nucleotide position 5197. The alanine at codon 1733 is replaced by serine, an amino acid with similar properties. This amino acid position is highly conserved in available vertebrate species. In addition, the in silico prediction for this alteration is inconclusive. Based on the available evidence, the clinical significance of this variant remains unclear.

NM_000051.4(ATM):c.5197G>T (p.Ala1733Ser)

Gene: ATM (ATM serine/threonine kinase; plus strand). Cytogenetic location: 11q22.3.
Variant type: single nucleotide variant.
Coding change: c.5197G>T on transcript NM_000051.4 (MANE Select); coding-DNA position 5197, G replaced by T.
Protein change: p.Ala1733Ser; replaces alanine 1733 with serine.
Molecular consequence: missense variant.
Genome position (GRCh38, 1-based): chr11:108,301,667, G>T. VCF-style: chr11-108301667-G-T. GRCh37 (hg19) VCF-style: chr11-108172394-G-T.
Other names: c.5197G>T, p.Ala1733Ser (NM_001351834.2); short protein forms A1733S.
Identifiers: ClinVar variation 4617251 (VCV004617251.1).